The following is an entry in ClinVar:

NM_001287.6(CLCN7):c.1919G>A (p.Arg640Gln)

Gene: CLCN7 (chloride voltage-gated channel 7; minus strand). Cytogenetic location: 16p13.3.
Variant type: single nucleotide variant.
Coding change: c.1919G>A on transcript NM_001287.6 (MANE Select); coding-DNA position 1919, G replaced by A.
Protein change: p.Arg640Gln; replaces arginine 640 with glutamine.
Molecular consequence: missense variant.
Genome position (GRCh38, 1-based): chr16:1,448,449, C>T on the plus strand (G>A on the coding strand, the complement: CLCN7 is on the minus strand). VCF-style: chr16-1448449-C-T. GRCh37 (hg19) VCF-style: chr16-1498450-C-T.
Other names: c.1847G>A, p.Arg616Gln (NM_001114331.3); short protein forms R616Q, R640Q.
Identifiers: ClinVar variation 1376660 (VCV001376660.8), dbSNP rs1403499328, ClinGen allele CA394186168.

ClinVar aggregate classification (germline): Uncertain significance (1 of 4 stars; one submission).

Allele frequency attached by ClinVar (database versions not stated): gnomAD exomes below 0.00001; TOPMed below 0.00001; gnomAD 0.00002.
gnomAD v4.1: 6 of 1,611,756 alleles (0.00037%); highest among the groups gnomAD compares: South Asian, 0.0044%; no homozygotes.

Submission:

Labcorp Genetics (formerly Invitae), Labcorp
Classification: Uncertain significance. Last evaluated: 2022-08-31. Review status: criteria provided, single submitter. Criteria: Invitae Variant Classification Sherloc (09022015). Collection method: clinical testing. Allele origin: germline.
Comment: ClinVar contains an entry for this variant (Variation ID: 1376660). This variant has not been reported in the literature in individuals affected with CLCN7-related conditions. This variant is present in population databases (no rsID available, gnomAD 0.006%). This sequence change replaces arginine, which is basic and polar, with glutamine, which is neutral and polar, at codon 640 of the CLCN7 protein (p.Arg640Gln). Advanced modeling of protein sequence and biophysical properties (such as structural, functional, and spatial information, amino acid conservation, physicochemical variation, residue mobility, and thermodynamic stability) performed at Invitae indicates that this missense variant is not expected to disrupt CLCN7 protein function. In summary, the available evidence is currently insufficient to determine the role of this variant in disease. Therefore, it has been classified as a Variant of Uncertain Significance.